The following is an entry in ClinVar:

NM_001271.4(CHD2):c.338A>G (p.Asn113Ser)

Gene: CHD2 (chromodomain helicase DNA binding protein 2; plus strand). Cytogenetic location: 15q26.1.
Variant type: single nucleotide variant.
Coding change: c.338A>G on transcript NM_001271.4 (MANE Select); coding-DNA position 338, A replaced by G.
Protein change: p.Asn113Ser; replaces asparagine 113 with serine.
Molecular consequence: missense variant.
Genome position (GRCh38, 1-based): chr15:92,927,287, A>G. VCF-style: chr15-92927287-A-G. GRCh37 (hg19) VCF-style: chr15-93470517-A-G.
Other names: c.338A>G (NM_001271.3); c.338A>G, p.Asn113Ser (NM_001042572.3); short protein forms N113S.
Identifiers: ClinVar variation 2005175 (VCV002005175.6), dbSNP rs2505393340, ClinGen allele CA393896947.
Genomic context (GRCh38, chr15:92,927,287, plus strand): 5'-GTCTCTTAATTTTACAGATGTGGGAAGAATATCCTGATGTTTATGGGGTCAGGCGGTCAA[A>G]CCGAAGCAGACAAGAACCATCGCGATTTAATATTAAGGAAGAGGTAAGGAAAAAATGTTT-3'
Protein context (NP_001262.3, residues 103-123): YPDVYGVRRS[Asn113Ser]RSRQEPSRFN

ClinVar aggregate classification (germline): Uncertain significance. Review status: criteria provided, multiple submitters, no conflicts (2 of 4 stars). 2 submissions from 2 submitters: Uncertain significance (2). Last evaluated 2025-09-23.

Conditions:
Developmental and epileptic encephalopathy 94 (DEE94). Also called: CHD2-Related Neurodevelopmental Disorders; Epileptic encephalopathy, childhood-onset. Identifiers: Orphanet 1942, Orphanet 2382, MedGen C3809278, MONDO:0014150, OMIM 615369.

Submissions (2):

GeneDx
Classification: Uncertain significance. Last evaluated: 2025-09-23. Review status: criteria provided, single submitter. Criteria: GeneDx Variant Classification Process June 2021. Collection method: clinical testing. Allele origin: germline. Affected: yes.
Comment: Not observed at significant frequency in large population cohorts (gnomAD); In silico analysis suggests that this missense variant does not alter protein structure/function; Has not been previously published as pathogenic or benign to our knowledge

Labcorp Genetics (formerly Invitae), Labcorp
Classification: Uncertain significance for Developmental and epileptic encephalopathy 94. Last evaluated: 2022-06-12. Review status: criteria provided, single submitter. Criteria: Invitae Variant Classification Sherloc (09022015). Collection method: clinical testing. Allele origin: germline.
Comment: This sequence change replaces asparagine, which is neutral and polar, with serine, which is neutral and polar, at codon 113 of the CHD2 protein (p.Asn113Ser). In summary, the available evidence is currently insufficient to determine the role of this variant in disease. Therefore, it has been classified as a Variant of Uncertain Significance. Advanced modeling of protein sequence and biophysical properties (such as structural, functional, and spatial information, amino acid conservation, physicochemical variation, residue mobility, and thermodynamic stability) performed at Invitae indicates that this missense variant is not expected to disrupt CHD2 protein function. This variant has not been reported in the literature in individuals affected with CHD2-related conditions. This variant is not present in population databases (gnomAD no frequency).